The following is an entry in ClinVar:

ClinVar aggregate classification (germline): Likely benign (0 of 4 stars; one submission).

Conditions:
TBX1-related disorder. Also called: TBX1-related condition; TBX1-Related Disorders.

Submission:

PreventionGenetics, part of Exact Sciences
Classification: Likely benign for TBX1-related condition. Last evaluated: 2019-02-21. Review status: no assertion criteria provided. Collection method: clinical testing. Allele origin: germline.
Comment: This variant is classified as likely benign based on ACMG/AMP sequence variant interpretation guidelines (Richards et al. 2015 PMID: 25741868, with internal and published modifications).

NM_001379200.1(TBX1):c.868-10C>T

Gene: TBX1 (T-box transcription factor 1; plus strand). Cytogenetic location: 22q11.21.
Variant type: single nucleotide variant.
Coding change: c.868-10C>T on transcript NM_001379200.1 (MANE Select); 10 bases into the intron before coding-DNA position 868, C replaced by T.
Molecular consequence: intron variant.
Genome position (GRCh38, 1-based): chr22:19,765,748, C>T. VCF-style: chr22-19765748-C-T. GRCh37 (hg19) VCF-style: chr22-19753271-C-T.
Other names: c.841-10C>T (NM_005992.1, NM_080646.2, NM_080647.1).
Identifiers: ClinVar variation 3046742 (VCV003046742.2), dbSNP rs2517854147, ClinGen allele CA2740094781.